The following is an entry in ClinVar:

ClinVar aggregate classification (germline): Likely benign. Review status: criteria provided, multiple submitters, no conflicts (2 of 4 stars). 2 submissions from 2 submitters: Likely benign (2). Last evaluated 2025-04-07.

Conditions:
Tuberous sclerosis 1 (TSC1). Identifiers: Orphanet 805, MedGen C1854465, MONDO:0008612, OMIM 191100.

Submissions (2):

Myriad Genetics, Inc.
Classification: Likely benign for Tuberous sclerosis 1. Last evaluated: 2025-04-07. Review status: criteria provided, single submitter. Criteria: Myriad Autosomal Dominant, Autosomal Recessive and X-Linked Classification Criteria (2023). Collection method: clinical testing. Allele origin: unknown.
Comment: This variant is considered likely benign. This variant is intronic and is not expected to impact mRNA splicing.

Labcorp Genetics (formerly Invitae), Labcorp
Classification: Likely benign for Tuberous sclerosis 1. Last evaluated: 2022-12-19. Review status: criteria provided, single submitter. Criteria: Invitae Variant Classification Sherloc (09022015). Collection method: clinical testing. Allele origin: germline.

NM_000368.5(TSC1):c.107-6A>G

Gene: TSC1 (TSC complex subunit 1; minus strand). Cytogenetic location: 9q34.13.
Variant type: single nucleotide variant.
Coding change: c.107-6A>G on transcript NM_000368.5 (MANE Select); 6 bases into the intron before coding-DNA position 107, A replaced by G.
Molecular consequence: intron variant.
Genome position (GRCh38, 1-based): chr9:132,927,310, T>C on the plus strand (A>G on the coding strand, the complement: TSC1 is on the minus strand). VCF-style: chr9-132927310-T-C. GRCh37 (hg19) VCF-style: chr9-135802697-T-C.
Other names: c.-153-1571A>G (NM_001406620.1, NM_001406618.1); c.-154+1457A>G (NM_001406625.1, NM_001406621.1, NM_001406617.1 and 3 more transcripts); c.107-6A>G (NM_001406613.1, NM_001406612.1, NM_001406610.1 and 21 more transcripts); c.-771-6A>G (NM_001406627.1, NM_001406628.1, NM_001406626.1); c.-913-6A>G (NM_001406629.1); c.-246+1457A>G (NM_001406614.1); c.-987-6A>G (NM_001406630.1); c.-349-6A>G (NM_001406624.1, NM_001406616.1); and 1 more.
Identifiers: ClinVar variation 2909974 (VCV002909974.4), dbSNP rs2132271783, ClinGen allele CA2720722775.